The following is an entry in ClinVar:

ClinVar aggregate classification (germline): Uncertain significance (1 of 4 stars; one submission).

Submission:

GeneDx
Classification: Uncertain significance. Last evaluated: 2026-01-27. Review status: criteria provided, single submitter. Criteria: GeneDx Variant Classification Process June 2021. Collection method: clinical testing. Allele origin: germline.
Comment: Not observed at significant frequency in large population cohorts (gnomAD); In silico analysis suggests that this missense variant does not alter protein structure/function; Has not been previously published as pathogenic or benign to our knowledge

NM_001829.4(CLCN3):c.190A>C (p.Ser64Arg)

Gene: CLCN3 (Cl-/H+ antiporter 3; plus strand). Cytogenetic location: 4q33.
Variant type: single nucleotide variant.
Coding change: c.190A>C on transcript NM_001829.4 (MANE Select); coding-DNA position 190, A replaced by C.
Protein change: p.Ser64Arg; replaces serine 64 with arginine.
Molecular consequence: missense variant.
Genome position (GRCh38, 1-based): chr4:169,680,079, A>C. VCF-style: chr4-169680079-A-C. GRCh37 (hg19) VCF-style: chr4-170601230-A-C.
Other names: c.190A>C, p.Ser64Arg (NM_001243372.2, NM_173872.4); c.109A>C, p.Ser37Arg (NM_001243374.2); short protein forms S37R, S64R.
Identifiers: ClinVar variation 4975410 (VCV004975410.1).